The following is an entry in ClinVar:

ClinVar aggregate classification (germline): Uncertain significance. Review status: criteria provided, multiple submitters, no conflicts (2 of 4 stars). 2 submissions from 2 submitters: Uncertain significance (2). Last evaluated 2022-11-28.

gnomAD v4.1: 1 of 1,610,892 alleles (0.000062%); highest among the groups gnomAD compares: Non-Finnish European, 0.000085%; no homozygotes.

Submissions (2):

Labcorp Genetics (formerly Invitae), Labcorp
Classification: Uncertain significance. Last evaluated: 2022-11-28. Review status: criteria provided, single submitter. Criteria: Invitae Variant Classification Sherloc (09022015). Collection method: clinical testing. Allele origin: germline.
Comment: This sequence change replaces tyrosine, which is neutral and polar, with cysteine, which is neutral and slightly polar, at codon 399 of the RECQL protein (p.Tyr399Cys). This variant is present in population databases (no rsID available, gnomAD 0.003%). This variant has not been reported in the literature in individuals affected with RECQL-related conditions. ClinVar contains an entry for this variant (Variation ID: 1407746). Advanced modeling of protein sequence and biophysical properties (such as structural, functional, and spatial information, amino acid conservation, physicochemical variation, residue mobility, and thermodynamic stability) performed at Invitae indicates that this missense variant is expected to disrupt RECQL protein function. In summary, the available evidence is currently insufficient to determine the role of this variant in disease. Therefore, it has been classified as a Variant of Uncertain Significance.

Ambry Genetics
Classification: Uncertain significance. Last evaluated: 2022-02-01. Review status: criteria provided, single submitter. Criteria: Ambry Variant Classification Scheme 2023. Collection method: clinical testing. Allele origin: germline.
Comment: The p.Y399C variant (also known as c.1196A>G), located in coding exon 9 of the RECQL gene, results from an A to G substitution at nucleotide position 1196. The tyrosine at codon 399 is replaced by cysteine, an amino acid with highly dissimilar properties. This amino acid position is conserved. In addition, this alteration is predicted to be deleterious by in silico analysis. Since supporting evidence is limited at this time, the clinical significance of this alteration remains unclear.

NM_002907.4(RECQL):c.1196A>G (p.Tyr399Cys)

Gene: RECQL (RecQ like helicase; minus strand). Cytogenetic location: 12p12.1.
Variant type: single nucleotide variant.
Coding change: c.1196A>G on transcript NM_002907.4 (MANE Select); coding-DNA position 1196, A replaced by G.
Protein change: p.Tyr399Cys; replaces tyrosine 399 with cysteine.
Molecular consequence: missense variant.
Genome position (GRCh38, 1-based): chr12:21,475,488, T>C on the plus strand (A>G on the coding strand, the complement: RECQL is on the minus strand). VCF-style: chr12-21475488-T-C. GRCh37 (hg19) VCF-style: chr12-21628422-T-C.
Other names: c.1196A>G, p.Tyr399Cys (NM_032941.3); short protein forms Y399C.
Identifiers: ClinVar variation 1407746 (VCV001407746.8), dbSNP rs1275285634, ClinGen allele CA384119301.